The following is an entry in ClinVar:

NM_001943.5(DSG2):c.1063G>A (p.Ala355Thr)

Gene: DSG2 (desmoglein 2; plus strand). Cytogenetic location: 18q12.1.
Variant type: single nucleotide variant.
Coding change: c.1063G>A on transcript NM_001943.5 (MANE Select); coding-DNA position 1063, G replaced by A.
Protein change: p.Ala355Thr; replaces alanine 355 with threonine.
Molecular consequence: missense variant.
Genome position (GRCh38, 1-based): chr18:31,531,035, G>A. VCF-style: chr18-31531035-G-A. GRCh37 (hg19) VCF-style: chr18-29110998-G-A.
Other names: c.1063G>A (LRG_397t1); short protein forms A355T.
Identifiers: ClinVar variation 191629 (VCV000191629.25), dbSNP rs201046640, ClinGen allele CA021262.

ClinVar aggregate classification (germline): Conflicting classifications of pathogenicity. Review status: criteria provided, conflicting classifications (1 of 4 stars). 8 submissions from 8 submitters: Uncertain significance (5); Likely benign (3). Last evaluated 2026-01-26.

Conditions:
Cardiovascular phenotype. Identifiers: MedGen CN230736.
Arrhythmogenic right ventricular cardiomyopathy (ARVD). Also called: Arrhythmogenic right ventricular dysplasia; Arrhythmogenic Right Ventricular Cardiomyopathy (ARVC); Arrhythmogenic cardiomyopathy; Cardiomyopathy, ARVC. Identifiers: Orphanet 247, MedGen C0349788, MeSH D019571, MONDO:0016587. Disease mechanism: loss of function. Inheritance: Various modes of inheritance.
Dilated cardiomyopathy 1BB (CMD1BB). Also called: CARDIOMYOPATHY, DILATED, 1BB, SUSCEPTIBILITY TO. Identifiers: Orphanet 154, MedGen C2752072, MONDO:0013030, OMIM 612877.
Arrhythmogenic right ventricular dysplasia 10. Also called: ARRHYTHMOGENIC RIGHT VENTRICULAR DYSPLASIA, FAMILIAL, 10; Arrhythmogenic Right Ventricular Dysplasia/Cardiomyopathy10; Arrhythmogenic right ventricular dysplasia/cardiomyopathy, type 10. Identifiers: MedGen C1857777, MONDO:0012434, OMIM 610193.
Cardiomyopathy (CMYO). Also called: Cardiomyopathies. Identifiers: Orphanet 167848, MedGen C0878544, MONDO:0004994, HP:0001638. Inheritance: Various modes of inheritance.

Allele frequency attached by ClinVar (database versions not stated): TOPMed 0.00003; gnomAD 0.00004.
gnomAD v4.1: 59 of 1,613,854 alleles (0.0037%); highest among the groups gnomAD compares: East Asian, 0.0067%; no homozygotes.

Submissions (8):

Labcorp Genetics (formerly Invitae), Labcorp
Classification: Uncertain significance for Arrhythmogenic right ventricular dysplasia 10. Last evaluated: 2026-01-26. Review status: criteria provided, single submitter. Criteria: Invitae Variant Classification Sherloc (09022015). Collection method: clinical testing. Allele origin: germline.
Comment: This sequence change replaces alanine, which is neutral and non-polar, with threonine, which is neutral and polar, at codon 355 of the DSG2 protein (p.Ala355Thr). This variant is present in population databases (rs201046640, gnomAD 0.1%). This variant has not been reported in the literature in individuals affected with DSG2-related conditions. ClinVar contains an entry for this variant (Variation ID: 191629). Invitae Evidence Modeling of protein sequence and biophysical properties (such as structural, functional, and spatial information, amino acid conservation, physicochemical variation, residue mobility, and thermodynamic stability) indicates that this missense variant is not expected to disrupt DSG2 protein function with a negative predictive value of 95%. In summary, the available evidence is currently insufficient to determine the role of this variant in disease. Therefore, it has been classified as a Variant of Uncertain Significance.

All of Us Research Program, National Institutes of Health
Classification: Likely benign for Arrhythmogenic right ventricular cardiomyopathy. Last evaluated: 2024-09-27. Review status: criteria provided, single submitter. Criteria: ACMG Guidelines, 2015. Collection method: clinical testing. Allele origin: germline. Inheritance: Autosomal dominant inheritance. Observed: 16 variant alleles, 16 heterozygotes.
Comment: This study involves interpretation of variants in research participants for the purpose of population health screening. Participant phenotype was not available at the time of variant classification. Additional details can be found in publication PMID: 35346344, PMCID: PMC8962531

Color Diagnostics, LLC DBA Color Health
Classification: Likely benign for Cardiomyopathy. Last evaluated: 2024-08-29. Review status: criteria provided, single submitter. Criteria: ACMG Guidelines, 2015. Collection method: clinical testing. Allele origin: germline.

GeneDx
Classification: Uncertain significance. Last evaluated: 2023-02-22. Review status: criteria provided, single submitter. Criteria: GeneDx Variant Classification Process June 2021. Collection method: clinical testing. Allele origin: germline. Affected: yes.
Comment: Reported in a cohort not selected for arrhythmia, cardiomyopathy or family history of sudden death who underwent exome anaylsis (Ng et al., 2013); In silico analysis, which includes protein predictors and evolutionary conservation, supports that this variant does not alter protein structure/function; This variant is associated with the following publications: (PMID: 23861362)

Blueprint Genetics
Classification: Uncertain significance. Last evaluated: 2020-10-20. Review status: criteria provided, single submitter. Criteria: ACMG Guidelines, 2015. Collection method: clinical testing. Allele origin: germline.

Illumina Laboratory Services, Illumina
Classification: Uncertain significance for Arrhythmogenic right ventricular dysplasia 10. Last evaluated: 2017-04-28. Review status: criteria provided, single submitter. Criteria: ICSL Variant Classification Criteria 13 December 2019. Collection method: clinical testing. Allele origin: germline.

Ambry Genetics
Classification: Likely benign for Cardiovascular phenotype. Last evaluated: 2016-11-29. Review status: criteria provided, single submitter. Criteria: Ambry Variant Classification Scheme 2023. Collection method: clinical testing. Allele origin: germline.

Biesecker Lab/Clinical Genomics Section, National Institutes of Health
Classification: Uncertain significance. Last evaluated: 2013-06-24. Review status: criteria provided, single submitter. Criteria: Ng et al. (Circ Cardiovasc Genet. 2013). Collection method: research. Allele origin: unknown. Observed: 1 variant allele. Study: ClinSeq.
Comment: The study set was not selected for affection status in relation to any cancer. Pathogenicity categories were based on literature curation. See Pubmed ID:23861362 for details.

Medical sequencing